The following is an entry in ClinVar:

ClinVar aggregate classification (germline): Uncertain significance (1 of 4 stars; one submission).

gnomAD v4.1: 7 of 1,610,770 alleles (0.00043%); highest among the groups gnomAD compares: African/African-American, 0.0027%; no homozygotes.

Submission:

Women's Health and Genetics/Laboratory Corporation of America, LabCorp
Classification: Uncertain significance. Last evaluated: 2024-09-24. Review status: criteria provided, single submitter. Criteria: LabCorp Variant Classification Summary - May 2015. Collection method: clinical testing. Allele origin: germline.
Comment: Variant summary: COL27A1 c.4072G>A (p.Gly1358Arg) results in a non-conservative amino acid change located in the Collagen triple helix repeat (IPR008160) of the encoded protein sequence. Five of five in-silico tools predict a damaging effect of the variant on protein function. The variant allele was found at a frequency of 8e-06 in 250418 control chromosomes. The available data on variant occurrences in the general population are insufficient to allow any conclusion about variant significance. c.4072G>A has been reported in the literature in a cohort of individuals with aortic dissection (e.g., Li_2017). These report(s) do not provide unequivocal conclusions about association of the variant with Steel syndrome. To our knowledge, no experimental evidence demonstrating an impact on protein function has been reported. The following publication was ascertained in the context of this evaluation (PMID: 27975164). No submitters have cited clinical-significance assessments for this variant to ClinVar. Based on the evidence outlined above, the variant was classified as uncertain significance.

Literature cited by the submitters: PubMed 27975164.

NM_032888.4(COL27A1):c.4072G>A (p.Gly1358Arg)

Genes: COL27A1 (collagen type XXVII alpha 1 chain; plus strand), LOC126860736 (MED14-independent group 3 enhancer GRCh37_chr9:117050487-117051686; plus strand). Cytogenetic location: 9q32.
Variant type: single nucleotide variant.
Coding change: c.4072G>A on transcript NM_032888.4 (MANE Select); coding-DNA position 4072, G replaced by A.
Protein change: p.Gly1358Arg; replaces glycine 1358 with arginine.
Molecular consequence: missense variant.
Genome position (GRCh38, 1-based): chr9:114,288,729, G>A. VCF-style: chr9-114288729-G-A. GRCh37 (hg19) VCF-style: chr9-117051009-G-A.
Other names: short protein forms G1358R.
Identifiers: ClinVar variation 3375245 (VCV003375245.1).